The following is an entry in ClinVar:

NM_004260.4(RECQL4):c.1097G>T (p.Gly366Val)

Gene: RECQL4 (RecQ like helicase 4; minus strand). Cytogenetic location: 8q24.3.
Variant type: single nucleotide variant.
Coding change: c.1097G>T on transcript NM_004260.4 (MANE Select); coding-DNA position 1097, G replaced by T.
Protein change: p.Gly366Val; replaces glycine 366 with valine.
Molecular consequence: missense variant. On other transcripts: 5 prime UTR variant (6), non-coding transcript variant (3).
Genome position (GRCh38, 1-based): chr8:144,516,022, C>A on the plus strand (G>T on the coding strand, the complement: RECQL4 is on the minus strand). VCF-style: chr8-144516022-C-A. GRCh37 (hg19) VCF-style: chr8-145741406-C-A.
Other names: c.1001G>T, p.Gly334Val (NM_001413017.1, NM_001413020.1); c.1097G>T, p.Gly366Val (NM_001413018.1, NM_001413019.1, NM_001413033.1 and 2 more transcripts); c.26G>T, p.Gly9Val (NM_001413021.1, NM_001413022.1, NM_001413023.1 and 8 more transcripts); c.968G>T, p.Gly323Val (NM_001413025.1); c.-37G>T (NM_001413027.1, NM_001413030.1, NM_001413031.1 and 2 more transcripts); c.746G>T, p.Gly249Val (NM_001413029.1); c.-244G>T (NM_001413043.1); short protein forms G249V, G9V, G323V, G366V, G334V.
Identifiers: ClinVar variation 3788097 (VCV003788097.2).

ClinVar aggregate classification (germline): Uncertain significance (1 of 4 stars; one submission).

Conditions:
Inborn genetic diseases. Identifiers: MedGen C0950123, MeSH D030342.

gnomAD v4.1: 1 of 1,611,178 alleles (0.000062%); highest among the groups gnomAD compares: South Asian, 0.0011%; no homozygotes.

Submission:

Ambry Genetics
Classification: Uncertain significance for Inborn genetic diseases. Last evaluated: 2025-11-11. Review status: criteria provided, single submitter. Criteria: Ambry Variant Classification Scheme 2023. Collection method: clinical testing. Allele origin: germline.
Comment: The p.G366V variant (also known as c.1097G>T), located in coding exon 5 of the RECQL4 gene, results from a G to T substitution at nucleotide position 1097. The glycine at codon 366 is replaced by valine, an amino acid with dissimilar properties. This amino acid position is conserved. In addition, this alteration is predicted to be tolerated by in silico analysis. Based on the available evidence, the clinical significance of this variant remains unclear.